The following is an entry in ClinVar:

NM_145290.4(ADGRA3):c.3154G>A (p.Asp1052Asn)

Gene: ADGRA3 (adhesion G protein-coupled receptor A3; minus strand). Cytogenetic location: 4p15.2.
Variant type: single nucleotide variant.
Coding change: c.3154G>A on transcript NM_145290.4 (MANE Select); coding-DNA position 3154, G replaced by A.
Protein change: p.Asp1052Asn; replaces aspartic acid 1052 with asparagine.
Molecular consequence: missense variant.
Genome position (GRCh38, 1-based): chr4:22,388,517, C>T on the plus strand (G>A on the coding strand, the complement: ADGRA3 is on the minus strand). VCF-style: chr4-22388517-C-T. GRCh37 (hg19) VCF-style: chr4-22390140-C-T.
Other names: short protein forms D1052N.
Identifiers: ClinVar variation 1438051 (VCV001438051.8), dbSNP rs752767172, ClinGen allele CA2873437.

ClinVar aggregate classification (germline): Uncertain significance (1 of 4 stars; one submission).

Allele frequency attached by ClinVar (database versions not stated): ExAC 0.00001; gnomAD 0.00001; gnomAD exomes 0.00001 and 0.00002; TOPMed 0.00002.
gnomAD v4.1: 18 of 1,613,950 alleles (0.0011%); highest among the groups gnomAD compares: Non-Finnish European, 0.0014%; no homozygotes.

Submission:

Labcorp Genetics (formerly Invitae), Labcorp
Classification: Uncertain significance. Last evaluated: 2021-02-05. Review status: criteria provided, single submitter. Criteria: Invitae Variant Classification Sherloc (09022015). Collection method: clinical testing. Allele origin: germline.
Comment: In summary, the available evidence is currently insufficient to determine the role of this variant in disease. Therefore, it has been classified as a Variant of Uncertain Significance. Algorithms developed to predict the effect of missense changes on protein structure and function are either unavailable or do not agree on the potential impact of this missense change (SIFT: "Deleterious"; PolyPhen-2: "Probably Damaging"; Align-GVGD: "Class C15"). This variant has not been reported in the literature in individuals with ADGRA3-related conditions. This variant is present in population databases (rs752767172, ExAC 0.002%). This sequence change replaces aspartic acid with asparagine at codon 1052 of the ADGRA3 protein (p.Asp1052Asn). The aspartic acid residue is highly conserved and there is a small physicochemical difference between aspartic acid and asparagine.